The following is an entry in ClinVar:

NM_203408.4(FAM47A):c.2T>G (p.Met1Arg)

Gene: FAM47A (family with sequence similarity 47 member A; minus strand). Cytogenetic location: Xp21.1.
Variant type: single nucleotide variant.
Coding change: c.2T>G on transcript NM_203408.4 (MANE Select); coding-DNA position 2, T replaced by G.
Protein change: p.Met1Arg; changes the start codon (methionine 1).
Molecular consequence: missense variant, initiator codon variant.
Genome position (GRCh38, 1-based): chrX:34,132,277, A>C on the plus strand (T>G on the coding strand, the complement: FAM47A is on the minus strand). VCF-style: chrX-34132277-A-C. GRCh37 (hg19) VCF-style: chrX-34150394-A-C.
Other names: short protein forms M1R.
Identifiers: ClinVar variation 3051138 (VCV003051138.2), dbSNP rs201519147, ClinGen allele CA10380731.

ClinVar aggregate classification (germline): Likely benign (0 of 4 stars; one submission).

Conditions:
FAM47A-related disorder. Also called: FAM47A-related condition.

Allele frequency attached by ClinVar (database versions not stated): gnomAD exomes 0.00007; gnomAD 0.00093; TOPMed 0.00095; 1000 Genomes Project 0.00106; ExAC 0.00039; ESP Exome Variant Server 0.00048; 1000 Genomes Project 30x 0.00083.

Submission:

PreventionGenetics, part of Exact Sciences
Classification: Likely benign for FAM47A-related condition. Last evaluated: 2022-07-06. Review status: no assertion criteria provided. Collection method: clinical testing. Allele origin: germline.
Comment: This variant is classified as likely benign based on ACMG/AMP sequence variant interpretation guidelines (Richards et al. 2015 PMID: 25741868, with internal and published modifications).